The following is an entry in ClinVar:

ClinVar aggregate classification (germline): Uncertain significance (1 of 4 stars; one submission).

Submission:

Labcorp Genetics (formerly Invitae), Labcorp
Classification: Uncertain significance. Last evaluated: 2023-10-03. Review status: criteria provided, single submitter. Criteria: Invitae Variant Classification Sherloc (09022015). Collection method: clinical testing. Allele origin: germline.
Comment: This sequence change replaces arginine, which is basic and polar, with histidine, which is basic and polar, at codon 773 of the PDZD7 protein (p.Arg773His). Information on the frequency of this variant in the gnomAD database is not available, as this variant may be reported differently in the database. This variant has not been reported in the literature in individuals affected with PDZD7-related conditions. ClinVar contains an entry for this variant (Variation ID: 1414149). Experimental studies and prediction algorithms are not available or were not evaluated, and the functional significance of this variant is currently unknown. In summary, the available evidence is currently insufficient to determine the role of this variant in disease. Therefore, it has been classified as a Variant of Uncertain Significance.

NM_001195263.2(PDZD7):c.2318_2319inv (p.Arg773His)

Gene: PDZD7 (PDZ domain containing 7; minus strand). Cytogenetic location: 10q24.31.
Variant type: Inversion.
Coding change: c.2318_2319inv on transcript NM_001195263.2 (MANE Select).
Protein change: p.Arg773His; replaces arginine 773 with histidine.
Molecular consequence: missense variant.
Genome position: GRCh38 VCF-style: chr10-101010570-AC-GT. GRCh37 (hg19) VCF-style: chr10-102770327-AC-GT.
Other names: short protein forms R773H.
Identifiers: ClinVar variation 1414149 (VCV001414149.3), ClinGen allele CA2573145466.
Genomic context (GRCh38, chr10:101,010,570, plus strand): 5'-ACCTGGAGACTTGCCTTGACCCCGGCTGCTGCGGCTGCGGCTGCGGCTACGGCTGCGGCT[AC>GT]GGCTCTGAGCCCGGCCCCGGATCTGGCTCTGCGGAGGGTGCTCTCGGCTCAGGGGTTCTG-3'
Protein context (NP_001182192.1, residues 763-783): QSQIRGRAQS[Arg773His]SRSRSRSRSR